The following is an entry in ClinVar:

NM_001080483.3(MYMK):c.242C>T (p.Ser81Leu)

Gene: MYMK (myomaker, myoblast fusion factor; minus strand). Cytogenetic location: 9q34.2.
Variant type: single nucleotide variant.
Coding change: c.242C>T on transcript NM_001080483.3 (MANE Select); coding-DNA position 242, C replaced by T.
Protein change: p.Ser81Leu; replaces serine 81 with leucine.
Molecular consequence: missense variant.
Genome position (GRCh38, 1-based): chr9:133,520,182, G>A on the plus strand (C>T on the coding strand, the complement: MYMK is on the minus strand). VCF-style: chr9-133520182-G-A. GRCh37 (hg19) VCF-style: chr9-136385304-G-A.
Other names: short protein forms S81L.
Identifiers: ClinVar variation 1189189 (VCV001189189.2), dbSNP rs779862468, ClinGen allele CA5312304.

ClinVar aggregate classification (germline): Uncertain significance (1 of 4 stars; one submission).

Allele frequency attached by ClinVar (database versions not stated): TOPMed 0.00002; gnomAD 0.00003; gnomAD exomes 0.00005; ExAC 0.00007.
gnomAD v4.1: 43 of 1,613,596 alleles (0.0027%); highest among the groups gnomAD compares: East Asian, 0.031%; no homozygotes.

Submission:

GeneDx
Classification: Uncertain significance. Last evaluated: 2020-11-10. Review status: criteria provided, single submitter. Criteria: GeneDx Variant Classification Process June 2021. Collection method: clinical testing. Allele origin: germline. Affected: yes.
Comment: In silico analysis supports that this missense variant does not alter protein structure/function; Has not been previously published as pathogenic or benign to our knowledge